The following is an entry in ClinVar:

ClinVar aggregate classification (germline): Uncertain significance. Review status: criteria provided, multiple submitters, no conflicts (2 of 4 stars). 2 submissions from 2 submitters: Uncertain significance (2). Last evaluated 2024-04-29.

Conditions:
Joubert syndrome. Also called: Familial aplasia of the vermis; CEREBELLOPARENCHYMAL DISORDER IV; JOUBERT-BOLTSHAUSER SYNDROME. Identifiers: Orphanet 475, MedGen C5979921, MONDO:0018772.
Meckel-Gruber syndrome. Also called: Dysencephalia splachnocystica; DYSENCEPHALIA SPLANCHNOCYSTICA; GRUBER SYNDROME. Identifiers: Orphanet 564, MedGen C0265215, MONDO:0018921.
Nephronophthisis. Also called: Juvenile Nephronophthisis. Identifiers: Orphanet 655, MedGen C0687120, MONDO:0019005, HP:0000090.
Leber congenital amaurosis 10 (LCA10). Identifiers: Orphanet 65, MedGen C1857821, MONDO:0012723, OMIM 611755.
Meckel syndrome, type 4 (MKS4). Also called: MECKEL-GRUBER SYNDROME, TYPE 4. Identifiers: Orphanet 564, MedGen C1970161, MONDO:0012626, OMIM 611134.
Joubert syndrome 5 (JBTS5). Identifiers: Orphanet 2318, MedGen C1857780, MONDO:0012432, OMIM 610188.
Bardet-Biedl syndrome 14 (BBS14). Identifiers: Orphanet 110, MedGen C2673874, MONDO:0014442, OMIM 615991.
Senior-Loken syndrome 6 (SLSN6). Identifiers: Orphanet 3156, MedGen C1857779, MONDO:0012433, OMIM 610189.

Submissions (2):

Fulgent Genetics
Classification: Uncertain significance for Joubert syndrome 5; Senior-Loken syndrome 6; Meckel syndrome, type 4; Leber congenital amaurosis 10; Bardet-Biedl syndrome 14. Last evaluated: 2024-04-29. Review status: criteria provided, single submitter. Criteria: ACMG Guidelines, 2015. Collection method: clinical testing. Allele origin: germline.

Labcorp Genetics (formerly Invitae), Labcorp
Classification: Uncertain significance for Joubert syndrome; Meckel-Gruber syndrome; Nephronophthisis. Last evaluated: 2024-04-22. Review status: criteria provided, single submitter. Criteria: Invitae Variant Classification Sherloc (09022015). Collection method: clinical testing. Allele origin: germline.
Comment: This sequence change replaces glutamine, which is neutral and polar, with histidine, which is basic and polar, at codon 1186 of the CEP290 protein (p.Gln1186His). This variant is not present in population databases (gnomAD no frequency). This variant has not been reported in the literature in individuals affected with CEP290-related conditions. ClinVar contains an entry for this variant (Variation ID: 1018811). Advanced modeling of protein sequence and biophysical properties (such as structural, functional, and spatial information, amino acid conservation, physicochemical variation, residue mobility, and thermodynamic stability) performed at Invitae indicates that this missense variant is expected to disrupt CEP290 protein function with a positive predictive value of 80%. In summary, the available evidence is currently insufficient to determine the role of this variant in disease. Therefore, it has been classified as a Variant of Uncertain Significance.

NM_025114.4(CEP290):c.3558A>C (p.Gln1186His)

Gene: CEP290 (centrosomal protein 290; minus strand). Cytogenetic location: 12q21.32.
Variant type: single nucleotide variant.
Coding change: c.3558A>C on transcript NM_025114.4 (MANE Select); coding-DNA position 3558, A replaced by C.
Protein change: p.Gln1186His; replaces glutamine 1186 with histidine.
Molecular consequence: missense variant.
Genome position (GRCh38, 1-based): chr12:88,090,743, T>G on the plus strand (A>C on the coding strand, the complement: CEP290 is on the minus strand). VCF-style: chr12-88090743-T-G. GRCh37 (hg19) VCF-style: chr12-88484520-T-G.
Other names: short protein forms Q1186H.
Identifiers: ClinVar variation 1018811 (VCV001018811.13), dbSNP rs1189042096, ClinGen allele CA386001647.